The following is an entry in ClinVar:

ClinVar aggregate classification (germline): Pathogenic (1 of 4 stars; one submission).

Submission:

GeneDx
Classification: Pathogenic. Last evaluated: 2017-01-05. Review status: criteria provided, single submitter. Criteria: GeneDx Variant Classification (06012015). Collection method: clinical testing. Allele origin: germline. Affected: yes.
Comment: The c.708_709delTT variant in the KAT6B gene has not been reported previously as a pathogenic variant nor as a benign variant, to our knowledge. The c.708_709delTT variant causes a frameshift starting with codon Alanine 238, changes this amino acid to an Arginine residue, and creates a premature Stop codon at position 5 of the new reading frame, denoted p.Ala238ArgfsX5. This variant is predicted to cause loss of normal protein function either through protein truncation or nonsense-mediated mRNA decay. The c.708_709delTT variant was not observed in approximately 6500 individuals of European and African American ancestry in the NHLBI Exome Sequencing Project, indicating it is not a common benign variant in these populations. We interpret c.708_709delTT as a pathogenic variant

NM_012330.4(KAT6B):c.708_709del (p.Ala238fs)

Gene: KAT6B (lysine acetyltransferase 6B; plus strand). Cytogenetic location: 10q22.2.
Variant type: Deletion.
Coding change: c.708_709del on transcript NM_012330.4 (MANE Select); coding-DNA positions 708 to 709, 2 bases deleted (TT; older notation c.708_709delTT).
Protein change: p.Ala238fs; shifts the reading frame from alanine 238.
Molecular consequence: frameshift variant.
Genome position (GRCh38, 1-based): chr10:74,960,056-74,960,057, TT deleted. VCF-style (leftmost placement, unchanged base first): chr10-74960055-CTT-C. GRCh37 (hg19) VCF-style: chr10-76719813-CTT-C.
Other names: c.708_709del, p.Ala238fs (NM_001256468.2, NM_001256469.2, NM_001370132.1 and 10 more transcripts); c.170_171del, p.Leu57fs (NM_001370134.1, NM_001370135.1); short protein forms A238fs, L57fs.
Identifiers: ClinVar variation 422921 (VCV000422921.2), dbSNP rs1064796095, ClinGen allele CA16618988.